The following is an entry in ClinVar:

NM_000276.4(OCRL):c.238+6T>C

Gene: OCRL (OCRL inositol polyphosphate-5-phosphatase; plus strand). Cytogenetic location: Xq26.1.
Variant type: single nucleotide variant.
Coding change: c.238+6T>C on transcript NM_000276.4 (MANE Select); 6 bases into the intron after coding-DNA position 238, T replaced by C.
Molecular consequence: intron variant.
Genome position (GRCh38, 1-based): chrX:129,548,607, T>C. VCF-style: chrX-129548607-T-C. GRCh37 (hg19) VCF-style: chrX-128682584-T-C.
Other names: c.241+6T>C (NM_001318784.2); c.238+6T>C (NM_001587.4).
Identifiers: ClinVar variation 1917666 (VCV001917666.6), dbSNP rs1935921012, ClinGen allele CA1137282873.

ClinVar aggregate classification (germline): Uncertain significance. Review status: criteria provided, multiple submitters, no conflicts (2 of 4 stars). 2 submissions from 2 submitters: Uncertain significance (2). Last evaluated 2024-03-14.

Conditions:
Lowe syndrome (OCRL). Also called: Oculocerebrorenal Syndrome; LOWE OCULOCEREBRORENAL SYNDROME; PHOSPHATIDYLINOSITOL 4,5-BISPHOSPHATE 5-PHOSPHATASE DEFICIENCY. Identifiers: Orphanet 534, MedGen C0028860, MONDO:0010645, OMIM 309000.

Allele frequency attached by ClinVar (database versions not stated): TOPMed below 0.00001.

Submissions (2):

GeneDx
Classification: Uncertain significance. Last evaluated: 2024-03-14. Review status: criteria provided, single submitter. Criteria: GeneDx Variant Classification Process June 2021. Collection method: clinical testing. Allele origin: germline. Affected: yes.
Comment: Not observed at significant frequency in large population cohorts (gnomAD); In silico analysis supports a deleterious effect on splicing; Has not been previously published as pathogenic or benign to our knowledge

Labcorp Genetics (formerly Invitae), Labcorp
Classification: Uncertain significance for Lowe syndrome. Last evaluated: 2022-07-02. Review status: criteria provided, single submitter. Criteria: Invitae Variant Classification Sherloc (09022015). Collection method: clinical testing. Allele origin: germline.
Comment: This sequence change falls in intron 4 of the OCRL gene. It does not directly change the encoded amino acid sequence of the OCRL protein. It affects a nucleotide within the consensus splice site. This variant is not present in population databases (gnomAD no frequency). This variant has not been reported in the literature in individuals affected with OCRL-related conditions. Variants that disrupt the consensus splice site are a relatively common cause of aberrant splicing (PMID: 17576681, 9536098). Algorithms developed to predict the effect of sequence changes on RNA splicing suggest that this variant may disrupt the consensus splice site. In summary, the available evidence is currently insufficient to determine the role of this variant in disease. Therefore, it has been classified as a Variant of Uncertain Significance.

Literature cited by the submitters: PubMed 17576681 (cited by Labcorp Genetics (formerly Invitae), Labcorp); PubMed 9536098 (cited by Labcorp Genetics (formerly Invitae), Labcorp).